The following is an entry in ClinVar:

ClinVar aggregate classification (germline): Uncertain significance (1 of 4 stars; one submission).

gnomAD v4.1: 1 of 1,551,032 alleles (0.000064%); highest among the groups gnomAD compares: Non-Finnish European, 0.000087%; no homozygotes.

Submission:

GeneDx
Classification: Uncertain significance. Last evaluated: 2022-07-13. Review status: criteria provided, single submitter. Criteria: GeneDx Variant Classification Process June 2021. Collection method: clinical testing. Allele origin: germline. Affected: yes.
Comment: Not observed at significant frequency in large population cohorts (gnomAD); In silico analysis supports that this missense variant has a deleterious effect on protein structure/function; Has not been previously published as pathogenic or benign to our knowledge

NM_020928.2(ZSWIM6):c.1303G>A (p.Asp435Asn)

Gene: ZSWIM6 (zinc finger SWIM-type containing 6; plus strand). Cytogenetic location: 5q12.1.
Variant type: single nucleotide variant.
Coding change: c.1303G>A on transcript NM_020928.2 (MANE Select); coding-DNA position 1303, G replaced by A.
Protein change: p.Asp435Asn; replaces aspartic acid 435 with asparagine.
Molecular consequence: missense variant.
Genome position (GRCh38, 1-based): chr5:61,494,380, G>A. VCF-style: chr5-61494380-G-A. GRCh37 (hg19) VCF-style: chr5-60790207-G-A.
Other names: short protein forms D435N.
Identifiers: ClinVar variation 1878750 (VCV001878750.1), dbSNP rs2479069428, ClinGen allele CA359942696.